The following is an entry in ClinVar:

NM_032888.4(COL27A1):c.25del (p.Ala9fs)

Gene: COL27A1 (collagen type XXVII alpha 1 chain; plus strand). Cytogenetic location: 9q32.
Variant type: Deletion.
Coding change: c.25del on transcript NM_032888.4 (MANE Select); coding-DNA position 25, one base deleted (G; older notation c.25delG).
Protein change: p.Ala9fs; shifts the reading frame from alanine 9.
Molecular consequence: frameshift variant.
Genome position (GRCh38, 1-based): chr9:114,155,975, G deleted; the last of 6 consecutive G bases (chr9:114,155,970-114,155,975); deleting any one gives the same sequence. VCF-style (leftmost placement, unchanged base first): chr9-114155969-CG-C. GRCh37 (hg19) VCF-style: chr9-116918249-CG-C.
Other names: c.25delG (NM_032888.4); short protein forms A9fs.
Identifiers: ClinVar variation 4535830 (VCV004535830.1).

ClinVar aggregate classification (germline): Pathogenic (1 of 4 stars; one submission).

Conditions:
Steel syndrome (STLS). Identifiers: Orphanet 438117, MedGen C3554594, MONDO:0014061, OMIM 615155.

Submission:

Women's Health and Genetics/Laboratory Corporation of America, LabCorp
Classification: Pathogenic for Steel syndrome. Last evaluated: 2025-09-04. Review status: criteria provided, single submitter. Criteria: LabCorp Variant Classification Summary - May 2015. Collection method: clinical testing. Allele origin: germline.
Comment: Variant summary: COL27A1 c.25delG (p.Ala9ProfsX21) results in a premature termination codon, predicted to cause an absence of the protein due to nonsense mediated decay, which is a commonly known mechanism for disease. Loss-of-function variants in COL27A1 are known to be pathogenic (PMID: 24986830, 28276056). The variant allele was found at a frequency of 2.5e-05 in 80828 control chromosomes. To our knowledge, no occurrence of c.25delG in individuals affected with COL27A1-related conditions and no experimental evidence demonstrating its impact on protein function have been reported. No submitters have cited clinical-significance assessments for this variant to ClinVar. Based on the evidence outlined above, the variant was classified as pathogenic.